The following is an entry in ClinVar:

NM_001035.3(RYR2):c.12366A>G (p.Ala4122=)

Gene: RYR2 (ryanodine receptor 2; plus strand). Cytogenetic location: 1q43.
Variant type: single nucleotide variant.
Coding change: c.12366A>G on transcript NM_001035.3 (MANE Select); coding-DNA position 12366, A replaced by G.
Protein change: p.Ala4122=; no amino-acid change (alanine 4122 retained).
Molecular consequence: synonymous variant.
Genome position (GRCh38, 1-based): chr1:237,784,078, A>G. VCF-style: chr1-237784078-A-G. GRCh37 (hg19) VCF-style: chr1-237947378-A-G.
Other names: c.12366A>G (NM_001035.2).
Identifiers: ClinVar variation 927984 (VCV000927984.8), dbSNP rs373185648, ClinGen allele CA066410.

ClinVar aggregate classification (germline): Likely benign. Review status: criteria provided, multiple submitters, no conflicts (2 of 4 stars). 4 submissions from 4 submitters: Likely benign (4). Last evaluated 2025-12-09.

Conditions:
Catecholaminergic polymorphic ventricular tachycardia 1. Also called: VENTRICULAR TACHYCARDIA, CATECHOLAMINERGIC POLYMORPHIC, 1, WITH OR WITHOUT ATRIAL DYSFUNCTION AND/OR DILATED CARDIOMYOPATHY; VENTRICULAR TACHYCARDIA, STRESS-INDUCED POLYMORPHIC 1; RYR2-Related Catecholaminergic Polymorphic Ventricular Tachycardia. Identifiers: Orphanet 3286, MedGen C1631597, MONDO:0011484, OMIM 604772.
Cardiovascular phenotype. Identifiers: MedGen CN230736.
Cardiomyopathy (CMYO). Also called: Cardiomyopathies. Identifiers: Orphanet 167848, MedGen C0878544, MONDO:0004994, HP:0001638. Inheritance: Various modes of inheritance.
Catecholaminergic polymorphic ventricular tachycardia (CVPT). Also called: Catecholamine-induced polymorphic ventricular tachycardia. Identifiers: Orphanet 3286, MedGen C5574922, MONDO:0017990.

Allele frequency attached by ClinVar (database versions not stated): gnomAD 0.00001; gnomAD exomes 0.00001 and 0.00002; ExAC 0.00002; TOPMed 0.00002; ESP Exome Variant Server 0.00008.
gnomAD v4.1: 9 of 1,613,902 alleles (0.00056%); highest among the groups gnomAD compares: East Asian, 0.0045%; no homozygotes.

Submissions (4):

Labcorp Genetics (formerly Invitae), Labcorp
Classification: Likely benign for Catecholaminergic polymorphic ventricular tachycardia 1. Last evaluated: 2025-12-09. Review status: criteria provided, single submitter. Criteria: Invitae Variant Classification Sherloc (09022015). Collection method: clinical testing. Allele origin: germline.

All of Us Research Program, National Institutes of Health
Classification: Likely benign for Catecholaminergic polymorphic ventricular tachycardia. Last evaluated: 2023-12-18. Review status: criteria provided, single submitter. Criteria: ACMG Guidelines, 2015. Collection method: clinical testing. Allele origin: germline. Inheritance: Autosomal dominant inheritance. Observed: 2 variant alleles, 2 heterozygotes.
Comment: This study involves interpretation of variants in research participants for the purpose of population health screening. Participant phenotype was not available at the time of variant classification. Additional details can be found in publication PMID: 35346344, PMCID: PMC8962531

Ambry Genetics
Classification: Likely benign for Cardiovascular phenotype. Last evaluated: 2023-10-29. Review status: criteria provided, single submitter. Criteria: Ambry Variant Classification Scheme 2023. Collection method: clinical testing. Allele origin: germline.

Color Diagnostics, LLC DBA Color Health
Classification: Likely benign for Cardiomyopathy. Last evaluated: 2018-12-04. Review status: criteria provided, single submitter. Criteria: ACMG Guidelines, 2015. Collection method: clinical testing. Allele origin: germline.